The following is an entry in ClinVar:

NM_138694.4(PKHD1):c.1817G>T (p.Arg606Leu)

Gene: PKHD1 (PKHD1 ciliary IPT domain containing fibrocystin/polyductin; minus strand). Cytogenetic location: 6p12.2.
Variant type: single nucleotide variant.
Coding change: c.1817G>T on transcript NM_138694.4 (MANE Select); coding-DNA position 1817, G replaced by T.
Protein change: p.Arg606Leu; replaces arginine 606 with leucine.
Molecular consequence: missense variant.
Genome position (GRCh38, 1-based): chr6:52,055,606, C>A on the plus strand (G>T on the coding strand, the complement: PKHD1 is on the minus strand). VCF-style: chr6-52055606-C-A. GRCh37 (hg19) VCF-style: chr6-51920404-C-A.
Other names: c.1817G>T, p.Arg606Leu (NM_170724.3); short protein forms R606L.
Identifiers: ClinVar variation 3355500 (VCV003355500.1).
Genomic context (GRCh38, chr6:52,055,606, plus strand): 5'-ACCTACCCACCTGACCCAGAAGCACAAAGACTGCTACTCACGTGTGTATACTGATCTAGC[C>A]GATAGCCCTTCTGGGCAGCCGGGGGAGTAAGGACAAGGTGTCGAGGCTGACGGAGGCTGA-3'
Protein context (NP_619639.3, residues 596-616): LTPPAAQKGY[Arg606Leu]LDQYTHLCLA

ClinVar aggregate classification (germline): Uncertain significance (0 of 4 stars; one submission).

Conditions:
PKHD1-related disorder. Also called: PKHD1-related condition.

gnomAD v4.1: 3 of 1,613,872 alleles (0.00019%); highest among the groups gnomAD compares: African/African-American, 0.0027%; no homozygotes.

Submission:

PreventionGenetics, part of Exact Sciences
Classification: Uncertain significance for PKHD1-related condition. Last evaluated: 2024-04-17. Review status: no assertion criteria provided. Collection method: clinical testing. Allele origin: germline.
Comment: The PKHD1 c.1817G>T variant is predicted to result in the amino acid substitution p.Arg606Leu. To our knowledge, this variant has not been reported in the literature. This variant is reported in 0.012% of alleles in individuals of African descent in gnomAD. At this time, the clinical significance of this variant is uncertain due to the absence of conclusive functional and genetic evidence.